The following is an entry in ClinVar:

NM_000543.5(SMPD1):c.1558A>C (p.Ile520Leu)

Gene: SMPD1 (sphingomyelin phosphodiesterase 1; plus strand). Cytogenetic location: 11p15.4.
Variant type: single nucleotide variant.
Coding change: c.1558A>C on transcript NM_000543.5 (MANE Select); coding-DNA position 1558, A replaced by C.
Protein change: p.Ile520Leu; replaces isoleucine 520 with leucine.
Molecular consequence: missense variant. On other transcripts: 3 prime UTR variant (1), non-coding transcript variant (2).
Genome position (GRCh38, 1-based): chr11:6,394,269, A>C. VCF-style: chr11-6394269-A-C. GRCh37 (hg19) VCF-style: chr11-6415499-A-C.
Other names: c.1555A>C, p.Ile519Leu (NM_001007593.3); c.*51A>C (NM_001318087.2); c.637A>C, p.Ile213Leu (NM_001318088.2); c.1426A>C, p.Ile476Leu (NM_001365135.2); short protein forms I213L, I476L, I519L, I520L.
Identifiers: ClinVar variation 2506220 (VCV002506220.1), dbSNP rs571736560, ClinGen allele CA379376213.
Genomic context (GRCh38, chr11:6,394,269, plus strand): 5'-TACCAAATAGATGGAAACTACTCCGGGAGCTCTCACGTGGTCCTGGACCATGAGACCTAC[A>C]TCCTGAATCTGACCCAGGCAAACATACCGGGAGCCATACCGCACTGGCAGCTTCTCTACA-3'
Protein context (NP_000534.3, residues 510-530): SHVVLDHETY[Ile520Leu]LNLTQANIPG

ClinVar aggregate classification (germline): Uncertain significance (1 of 4 stars; one submission).

Submission:

Women's Health and Genetics/Laboratory Corporation of America, LabCorp
Classification: Uncertain significance. Last evaluated: 2023-05-26. Review status: criteria provided, single submitter. Criteria: LabCorp Variant Classification Summary - May 2015. Collection method: clinical testing. Allele origin: germline.
Comment: Variant summary: SMPD1 c.1558A>C (p.Ile520Leu) results in a conservative amino acid change located in the Sphingomyelin phosphodiesterase, C-terminal domain (IPR045473) of the encoded protein sequence. Two of four in-silico tools predict a benign effect of the variant on protein function. The variant was absent in 251354 control chromosomes. The available data on variant occurrences in the general population are insufficient to allow any conclusion about variant significance. c.1558A>C has been reported in the literature in a compound heterozygous individual affected with Niemann-Pick Disease (example: Ranganath_2016). These data do not allow any conclusion about variant significance. To our knowledge, no experimental evidence demonstrating an impact on protein function has been reported. The following publication has been ascertained in the context of this evaluation (PMID: 27338287). No clinical diagnostic laboratories have submitted clinical-significance assessments for this variant to ClinVar after 2014. Based on the evidence outlined above, the variant was classified as uncertain significance.

Literature cited by the submitters: PubMed 27338287.